The following is an entry in ClinVar:

ClinVar aggregate classification (germline): Uncertain significance (0 of 4 stars; one submission).

Conditions:
CREBBP-related disorder. Also called: CREBBP-related condition; CREBBP-related disorders.

gnomAD v4.1: 12 of 1,583,346 alleles (0.00076%); highest among the groups gnomAD compares: African/African-American, 0.015%; no homozygotes.

Submission:

PreventionGenetics, part of Exact Sciences
Classification: Uncertain significance for CREBBP-related condition. Last evaluated: 2024-05-06. Review status: no assertion criteria provided. Collection method: clinical testing. Allele origin: germline.
Comment: The CREBBP c.5944C>T variant is predicted to result in the amino acid substitution p.Pro1982Ser. To our knowledge, this variant has not been reported in the literature. This variant is reported in 0.024% of alleles in individuals of African descent in gnomAD, which is likely too frequent to be a primary cause of disease. This variant impacts an amino acid in exon 31 of the CREBBP gene. Although we suspect that c.5944C>T may be benign, the clinical significance of this variant is currently classified as uncertain due to the absence of conclusive functional and genetic evidence.

NM_004380.3(CREBBP):c.5944C>T (p.Pro1982Ser)

Gene: CREBBP (CREB binding lysine acetyltransferase; minus strand). Cytogenetic location: 16p13.3.
Variant type: single nucleotide variant.
Coding change: c.5944C>T on transcript NM_004380.3 (MANE Select); coding-DNA position 5944, C replaced by T.
Protein change: p.Pro1982Ser; replaces proline 1982 with serine.
Molecular consequence: missense variant.
Genome position (GRCh38, 1-based): chr16:3,729,103, G>A on the plus strand (C>T on the coding strand, the complement: CREBBP is on the minus strand). VCF-style: chr16-3729103-G-A. GRCh37 (hg19) VCF-style: chr16-3779104-G-A.
Other names: c.5830C>T, p.Pro1944Ser (NM_001079846.1); short protein forms P1944S, P1982S.
Identifiers: ClinVar variation 3355275 (VCV003355275.1).